The following is an entry in ClinVar:

ClinVar aggregate classification (germline): Benign/Likely benign. Review status: criteria provided, multiple submitters, no conflicts (2 of 4 stars). 2 submissions from 2 submitters: Benign (1); Likely benign (1). Last evaluated 2026-06-30.

Conditions:
Sessile serrated polyposis cancer syndrome (SSPCS). Identifiers: Orphanet 157798, MedGen C4310714, MONDO:0014919, OMIM 617108.

gnomAD v4.1: 11 of 1,613,632 alleles (0.00068%); highest among the groups gnomAD compares: African/African-American, 0.0013%; no homozygotes.

Submissions (2):

Myriad Genetics, Inc.
Classification: Benign for Sessile serrated polyposis cancer syndrome. Last evaluated: 2026-06-30. Review status: criteria provided, single submitter. Criteria: Myriad Autosomal Dominant, Autosomal Recessive and X-Linked Classification Criteria (2023). Collection method: clinical testing. Allele origin: unknown.
Comment: This variant is considered benign. This variant is a silent/synonymous amino acid change and it is not expected to impact splicing.

Ambry Genetics
Classification: Likely benign. Last evaluated: 2026-02-14. Review status: criteria provided, single submitter. Criteria: Ambry Variant Classification Scheme 2023. Collection method: clinical testing. Allele origin: germline.

NM_017763.6(RNF43):c.514C>T (p.Leu172=)

Gene: RNF43 (ring finger protein 43; minus strand). Cytogenetic location: 17q22.
Variant type: single nucleotide variant.
Coding change: c.514C>T on transcript NM_017763.6 (MANE Select); coding-DNA position 514, C replaced by T.
Protein change: p.Leu172=; no amino-acid change (leucine 172 retained).
Molecular consequence: synonymous variant.
Genome position (GRCh38, 1-based): chr17:58,363,343, G>A on the plus strand (C>T on the coding strand, the complement: RNF43 is on the minus strand). VCF-style: chr17-58363343-G-A. GRCh37 (hg19) VCF-style: chr17-56440704-G-A.
Other names: c.514C>T, p.Leu172= (NM_001305544.3, NM_001438820.1, NM_001438821.1 and 1 more transcripts); c.133C>T, p.Leu45= (NM_001305545.2, NM_001437987.1).
Identifiers: ClinVar variation 4844777 (VCV004844777.2).